The following is an entry in ClinVar:

NM_003737.4(DCHS1):c.5566C>A (p.Pro1856Thr)

Gene: DCHS1 (dachsous cadherin-related 1; minus strand). Cytogenetic location: 11p15.4.
Variant type: single nucleotide variant.
Coding change: c.5566C>A on transcript NM_003737.4 (MANE Select); coding-DNA position 5566, C replaced by A.
Protein change: p.Pro1856Thr; replaces proline 1856 with threonine.
Molecular consequence: missense variant.
Genome position (GRCh38, 1-based): chr11:6,627,473, G>T on the plus strand (C>A on the coding strand, the complement: DCHS1 is on the minus strand). VCF-style: chr11-6627473-G-T. GRCh37 (hg19) VCF-style: chr11-6648704-G-T.
Other names: short protein forms P1856T.
Identifiers: ClinVar variation 2768464 (VCV002768464.3), dbSNP rs1269241996, ClinGen allele CA379394185.

ClinVar aggregate classification (germline): Uncertain significance (1 of 4 stars; one submission).

Allele frequency attached by ClinVar (database versions not stated): TOPMed below 0.00001; gnomAD 0.00001.
gnomAD v4.1: 3 of 1,611,360 alleles (0.00019%); highest among the groups gnomAD compares: Non-Finnish European, 0.00025%; no homozygotes.

Submission:

Labcorp Genetics (formerly Invitae), Labcorp
Classification: Uncertain significance. Last evaluated: 2023-12-04. Review status: criteria provided, single submitter. Criteria: Invitae Variant Classification Sherloc (09022015). Collection method: clinical testing. Allele origin: germline.
Comment: This sequence change replaces proline, which is neutral and non-polar, with threonine, which is neutral and polar, at codon 1856 of the DCHS1 protein (p.Pro1856Thr). This variant is present in population databases (no rsID available, gnomAD 0.002%). This variant has not been reported in the literature in individuals affected with DCHS1-related conditions. Advanced modeling of protein sequence and biophysical properties (such as structural, functional, and spatial information, amino acid conservation, physicochemical variation, residue mobility, and thermodynamic stability) performed at Invitae indicates that this missense variant is not expected to disrupt DCHS1 protein function with a negative predictive value of 80%. In summary, the available evidence is currently insufficient to determine the role of this variant in disease. Therefore, it has been classified as a Variant of Uncertain Significance.